The following is an entry in ClinVar:

ClinVar aggregate classification (germline): Uncertain significance. Review status: criteria provided, multiple submitters, no conflicts (2 of 4 stars). 3 submissions from 3 submitters: Uncertain significance (3). Last evaluated 2026-01-12.

Conditions:
Dilated cardiomyopathy 1C (CMD1C). Also called: CARDIOMYOPATHY, DILATED, 1C, WITH OR WITHOUT LEFT VENTRICULAR NONCOMPACTION; Cardiomyopathy, dilated, 1C, with or without LVNC. Identifiers: Orphanet 154, Orphanet 54260, MedGen C1832244, MONDO:0011094, OMIM 601493.
Myofibrillar myopathy 4. Also called: Zaspopathy (type). Identifiers: Orphanet 98912, MedGen C4721886, MONDO:0012277, OMIM 609452.

Allele frequency attached by ClinVar (database versions not stated): gnomAD 0.00005 and 0.00007; ESP Exome Variant Server 0.00008; TOPMed 0.00010.
gnomAD v4.1: 19 of 1,614,168 alleles (0.0012%); highest among the groups gnomAD compares: African/African-American, 0.024%; no homozygotes.

Submissions (3):

Labcorp Genetics (formerly Invitae), Labcorp
Classification: Uncertain significance for Myofibrillar myopathy 4. Last evaluated: 2026-01-12. Review status: criteria provided, single submitter. Criteria: Invitae Variant Classification Sherloc (09022015). Collection method: clinical testing. Allele origin: germline.
Comment: The LDB3 gene has multiple clinically relevant transcripts. This variant occurs in alternate transcript NM_007078.3, and corresponds to NM_001080116.1:c.*19342C>A in the primary transcript. This sequence change falls in intron 11 of the LDB3 gene. It does not directly change the encoded amino acid sequence of the LDB3 protein. This variant is present in population databases (rs369454227, gnomAD 0.01%). This variant has not been reported in the literature in individuals affected with LDB3-related conditions. Experimental studies and prediction algorithms are not available or were not evaluated, and the effect of this variant on mRNA splicing is currently unknown. In summary, the available evidence is currently insufficient to determine the role of this variant in disease. Therefore, it has been classified as a Variant of Uncertain Significance.

Fulgent Genetics
Classification: Uncertain significance for Dilated cardiomyopathy 1C; Myofibrillar myopathy 4. Last evaluated: 2021-08-23. Review status: criteria provided, single submitter. Criteria: ACMG Guidelines, 2015. Collection method: clinical testing. Allele origin: unknown.

GeneDx
Classification: Uncertain significance. Last evaluated: 2017-01-16. Review status: criteria provided, single submitter. Criteria: GeneDx Variant Classification (06012015). Collection method: clinical testing. Allele origin: germline. Affected: yes.
Comment: The c.1858-11 C>A variant of uncertain significance in the LDB3 gene has not been published as a pathogenic variant or been reported as a benign variant to our knowledge. This variant was not observed with any significant frequency in approximately 6,500 individuals of European and African American ancestry in the NHLBI Exome Sequencing Project, and was not observed in the Exome Aggregation Consortium, indicating it is not a common benign variant in these populations. The c.1858-11 C>A variant is predicted to impact the natural splice acceptor site in intron 10; however, in the absence of functional mRNA studies, the physiological consequence of this variant on splicing cannot be precisely determined. Furthermore, no other splice site variants in the LDB3 gene have been reported in the Human Gene Mutation Database in association with cardiomyopathy (Stenson et al., 2014).

NM_007078.3(LDB3):c.1858-11C>A

Gene: LDB3 (LIM domain binding 3; plus strand). Cytogenetic location: 10q23.2.
Variant type: single nucleotide variant.
Coding change: c.1858-11C>A on transcript NM_007078.3 (MANE Select); 11 bases into the intron before coding-DNA position 1858, C replaced by A.
Molecular consequence: intron variant.
Genome position (GRCh38, 1-based): chr10:86,718,716, C>A. VCF-style: chr10-86718716-C-A. GRCh37 (hg19) VCF-style: chr10-88478473-C-A.
Other names: c.1858-11C>A (LRG_385t1); c.1669-11C>A (NM_001368064.1, NM_001368065.1); c.1873-11C>A (NM_001171610.2); c.1717-11C>A (NM_001368066.1); c.1528-11C>A (NM_001080114.2).
Identifiers: ClinVar variation 383596 (VCV000383596.5), dbSNP rs369454227, ClinGen allele CA16606715.